The following is an entry in ClinVar:

NM_000182.5(HADHA):c.2208T>A (p.Tyr736Ter)

Genes: HADHA (hydroxyacyl-CoA dehydrogenase trifunctional multienzyme complex subunit alpha; minus strand), GAREM2 (GRB2 associated regulator of MAPK1 subtype 2; plus strand). Cytogenetic location: 2p23.3.
Variant type: single nucleotide variant.
Coding change: c.2208T>A on transcript NM_000182.5 (MANE Select); coding-DNA position 2208, T replaced by A.
Protein change: p.Tyr736Ter; replaces tyrosine 736 with a stop codon.
Molecular consequence: nonsense.
Genome position (GRCh38, 1-based): chr2:26,191,334, A>T on the plus strand (T>A on the coding strand, the complement: HADHA is on the minus strand). VCF-style: chr2-26191334-A-T. GRCh37 (hg19) VCF-style: chr2-26414203-A-T.
Other names: short protein forms Y736*.
Identifiers: ClinVar variation 1427255 (VCV001427255.8), dbSNP rs774114061, ClinGen allele CA346111607.

ClinVar aggregate classification (germline): Pathogenic (1 of 4 stars; one submission).

Conditions:
Mitochondrial trifunctional protein deficiency. Identifiers: Orphanet 746, MedGen C1969443, MONDO:0012172.
Long chain 3-hydroxyacyl-CoA dehydrogenase deficiency. Also called: LCHAD Deficiency; Deficiency of long-chain 3-hydroxyacyl-coenzyme A dehydrogenase. Identifiers: Orphanet 5, MedGen C3711645, MONDO:0012173, OMIM 609016.

Submission:

Labcorp Genetics (formerly Invitae), Labcorp
Classification: Pathogenic for Mitochondrial trifunctional protein deficiency; Long chain 3-hydroxyacyl-CoA dehydrogenase deficiency. Last evaluated: 2020-11-14. Review status: criteria provided, single submitter. Criteria: Invitae Variant Classification Sherloc (09022015). Collection method: clinical testing. Allele origin: germline.
Comment: For these reasons, this variant has been classified as Pathogenic. This variant disrupts the C-terminus of the HADHA protein. Other variant(s) that disrupt this region (p.Phe744Thrfs*10) have been determined to be pathogenic (PMID: 21549624, 12237653). This suggests that variants that disrupt this region of the protein are likely to be causative of disease. This variant has not been reported in the literature in individuals with HADHA-related conditions. This variant is not present in population databases (ExAC no frequency). This sequence change creates a premature translational stop signal (p.Tyr736*) in the HADHA gene. While this is not anticipated to result in nonsense mediated decay, it is expected to disrupt the last 28 amino acid(s) of the HADHA protein.

Literature cited by the submitters: PubMed 21549624; PubMed 12237653.